The following is an entry in ClinVar:

NM_005475.3(SH2B3):c.350A>C (p.Lys117Thr)

Gene: SH2B3 (SH2B adaptor protein 3; plus strand). Cytogenetic location: 12q24.12.
Variant type: single nucleotide variant.
Coding change: c.350A>C on transcript NM_005475.3 (MANE Select); coding-DNA position 350, A replaced by C.
Protein change: p.Lys117Thr; replaces lysine 117 with threonine.
Molecular consequence: missense variant.
Genome position (GRCh38, 1-based): chr12:111,418,495, A>C. VCF-style: chr12-111418495-A-C. GRCh37 (hg19) VCF-style: chr12-111856299-A-C.
Other names: short protein forms K117T.
Identifiers: ClinVar variation 3953515 (VCV003953515.1).

ClinVar aggregate classification (germline): Uncertain significance (1 of 4 stars; one submission).

Conditions:
Inborn genetic diseases. Identifiers: MedGen C0950123, MeSH D030342.

Submission:

Ambry Genetics
Classification: Uncertain significance for Inborn genetic diseases. Last evaluated: 2025-05-22. Review status: criteria provided, single submitter. Criteria: Ambry Variant Classification Scheme 2023. Collection method: clinical testing. Allele origin: germline.
Comment: The p.K117T variant (also known as c.350A>C), located in coding exon 1 of the SH2B3 gene, results from an A to C substitution at nucleotide position 350. The lysine at codon 117 is replaced by threonine, an amino acid with similar properties. This amino acid position is conserved. In addition, this alteration is predicted to be tolerated by in silico analysis. Based on the available evidence, the clinical significance of this variant remains unclear.